The following is an entry in ClinVar:

NM_181523.3(PIK3R1):c.535G>A (p.Val179Met)

Gene: PIK3R1 (phosphoinositide-3-kinase regulatory subunit 1; plus strand). Cytogenetic location: 5q13.1.
Variant type: single nucleotide variant.
Coding change: c.535G>A on transcript NM_181523.3 (MANE Select); coding-DNA position 535, G replaced by A.
Protein change: p.Val179Met; replaces valine 179 with methionine.
Molecular consequence: missense variant.
Genome position (GRCh38, 1-based): chr5:68,279,634, G>A. VCF-style: chr5-68279634-G-A. GRCh37 (hg19) VCF-style: chr5-67575462-G-A.
Other names: short protein forms V179M.
Identifiers: ClinVar variation 2943916 (VCV002943916.3), dbSNP rs761628909, ClinGen allele CA3290066.

ClinVar aggregate classification (germline): Uncertain significance (1 of 4 stars; one submission).

Conditions:
SHORT syndrome. Also called: LIPODYSTROPHY, PARTIAL, WITH RIEGER ANOMALY AND SHORT STATURE; PIK3R1-Related SHORT Syndrome; SHORT STATURE, HYPEREXTENSIBILITY, HERNIA, OCULAR DEPRESSION, RIEGER ANOMALY, AND TEETHING DELAY. Identifiers: Orphanet 3163, MedGen C0878684, MONDO:0010026, OMIM 269880.
Agammaglobulinemia 7, autosomal recessive (AGM7). Also called: AGAMMAGLOBULINEMIA, AUTOSOMAL RECESSIVE, DUE TO PIK3R1 DEFECT. Identifiers: MedGen C3554689, MONDO:0014083, OMIM 615214.
Immunodeficiency 36 with lymphoproliferation. Also called: Immunodeficiency 36; ACTIVATED PI3K-DELTA SYNDROME 2; Activated PI3K Delta Syndrome Type 2 (APDS2). Identifiers: Orphanet 397596, Orphanet 693681, MedGen C4014934, MONDO:0014453, OMIM 616005.

Allele frequency attached by ClinVar (database versions not stated): ExAC 0.00001; gnomAD exomes 0.00001; TOPMed 0.00001.
gnomAD v4.1: 3 of 1,613,788 alleles (0.00019%); highest among the groups gnomAD compares: Admixed American, 0.0017%; no homozygotes.

Submission:

Labcorp Genetics (formerly Invitae), Labcorp
Classification: Uncertain significance for SHORT syndrome; Immunodeficiency 36 with lymphoproliferation; Agammaglobulinemia 7, autosomal recessive. Last evaluated: 2023-10-29. Review status: criteria provided, single submitter. Criteria: Invitae Variant Classification Sherloc (09022015). Collection method: clinical testing. Allele origin: germline.
Comment: This sequence change replaces valine, which is neutral and non-polar, with methionine, which is neutral and non-polar, at codon 179 of the PIK3R1 protein (p.Val179Met). This variant is present in population databases (rs761628909, gnomAD 0.003%). This variant has not been reported in the literature in individuals affected with PIK3R1-related conditions. An algorithm developed to predict the effect of missense changes on protein structure and function (PolyPhen-2) suggests that this variant is likely to be tolerated. In summary, the available evidence is currently insufficient to determine the role of this variant in disease. Therefore, it has been classified as a Variant of Uncertain Significance.